The following is an entry in ClinVar:

ClinVar aggregate classification (germline): Uncertain significance (1 of 4 stars; one submission).

Conditions:
Leigh syndrome (NULS). Also called: Leigh's necrotizing encephalopathy; Leigh's disease; Leigh Syndrome (mtDNA deletion); Leigh Disease; Subacute necrotizing encephalopathy; Necrotizing encephalopathy infantile subacute of Leigh. Identifiers: Orphanet 506, MedGen C2931891, MONDO:0009723, OMIM 256000.

Submission:

Wong Mito Lab, Molecular and Human Genetics, Baylor College of Medicine
Classification: Uncertain significance for Leigh syndrome. Last evaluated: 2019-10-17. Review status: criteria provided, single submitter. Criteria: Modified ACMG Guidelines (Unpublished). Collection method: clinical testing. Allele origin: germline.
Comment: The NC_012920.1:m.9706T>C (YP_003024032.1:p.Ile167Thr) variant in MTCO3 gene is interpretated to be a Uncertain Significance variant based on the modified ACMG guidelines (unpublished). This variant meets the following evidence codes: PP7

NC_012920.1(MT-CO3):m.9706T>C

Gene: MT-CO3 (mitochondrially encoded cytochrome c oxidase III; plus strand).
Variant type: single nucleotide variant.
Genome position: chrM-9706-T-C.
Identifiers: ClinVar variation 693210 (VCV000693210.1), dbSNP rs1603222441, ClinGen allele CA414803529.